The following is an entry in ClinVar:

NM_000489.6(ATRX):c.2102G>A (p.Arg701His)

Gene: ATRX (ATRX chromatin remodeler; minus strand). Cytogenetic location: Xq21.1.
Variant type: single nucleotide variant.
Coding change: c.2102G>A on transcript NM_000489.6 (MANE Select); coding-DNA position 2102, G replaced by A.
Protein change: p.Arg701His; replaces arginine 701 with histidine.
Molecular consequence: missense variant.
Genome position (GRCh38, 1-based): chrX:77,683,154, C>T on the plus strand (G>A on the coding strand, the complement: ATRX is on the minus strand). VCF-style: chrX-77683154-C-T. GRCh37 (hg19) VCF-style: chrX-76938646-C-T.
Other names: c.2102G>A (NM_000489.4, NM_000489.3); c.1988G>A, p.Arg663His (NM_138270.5); short protein forms R701H, R663H.
Identifiers: ClinVar variation 191250 (VCV000191250.5), dbSNP rs797044563, ClinGen allele CA236355.
Genomic context (GRCh38, chrX:77,683,154, plus strand): 5'-TGCTTAGATTTTGGCAATTTATTAGGCTTAGGATTATCTATAGCACTGTCAGAAGAATTA[C>T]GCTTATCCTTTTTTCTCACTGGAACTGATAGTTTTTGTTTCTCCTTAACTGTTTCATTAC-3'
Protein context (NP_000480.3, residues 691-711): LSVPVRKKDK[Arg701His]NSSDSAIDNP

ClinVar aggregate classification (germline): Conflicting classifications of pathogenicity. Review status: criteria provided, conflicting classifications (1 of 4 stars). 4 submissions from 4 submitters: Likely pathogenic (1); Uncertain significance (3). Last evaluated 2026-02-20.

Conditions:
ATRX-related disorder. Also called: ATRX-related condition.
Alpha thalassemia-X-linked intellectual disability syndrome (ATRX). Also called: ALPHA-THALASSEMIA/MENTAL RETARDATION SYNDROME, X-LINKED; ALPHA-THALASSEMIA/IMPAIRED INTELLECTUAL DEVELOPMENT SYNDROME, X-LINKED; X-linked alpha-thalassemia-mental retardation syndrome; ATR, NONDELETION TYPE; ATR-X syndrome; Alpha thalassemia mental retardation syndrome, nondeletion type, X-linked. Identifiers: Orphanet 847, MedGen C1845055, MONDO:0010519, OMIM 301040.

Allele frequency attached by ClinVar (database versions not stated): gnomAD 0.00001; gnomAD exomes 0.00001.

Submissions (4):

GeneDx
Classification: Uncertain significance. Last evaluated: 2026-02-20. Review status: criteria provided, single submitter. Criteria: GeneDx Variant Classification Process June 2021. Collection method: clinical testing. Allele origin: germline.
Comment: Observed in population-based screening in a Qatari population; however no clinical information was provided on the individual(s) with the variant (PMID: 35150601); Not observed at significant frequency in large population cohorts (gnomAD); In silico analysis suggests that this missense variant does not alter protein structure/function; This variant is associated with the following publications: (PMID: 31589614, 35150601)

PreventionGenetics, part of Exact Sciences
Classification: Uncertain significance for ATRX-related condition. Last evaluated: 2025-05-14. Review status: criteria provided, single submitter. Criteria: ACMG Guidelines, 2015. Collection method: clinical testing. Allele origin: germline.
Comment: The ATRX c.2102G>A variant is predicted to result in the amino acid substitution p.Arg701His. To our knowledge this variant has not been reported in the literature in patients with ATRX-related disorders. This variant was reported as likely pathogenic in a large preconception screening cohort study; however, additional information to support pathogenicity was not reported (Supp. Table 1. Capalbo et al. 2019. PubMed ID: 31589614). This variant has not been reported in a large population database (gnomAD), indicating this variant is rare. At this time, the clinical significance of this variant is uncertain due to the absence of conclusive functional and genetic evidence.

Labcorp Genetics (formerly Invitae), Labcorp
Classification: Uncertain significance for Alpha thalassemia-X-linked intellectual disability syndrome. Last evaluated: 2024-03-19. Review status: criteria provided, single submitter. Criteria: Invitae Variant Classification Sherloc (09022015). Collection method: clinical testing. Allele origin: germline.
Comment: This sequence change replaces arginine, which is basic and polar, with histidine, which is basic and polar, at codon 701 of the ATRX protein (p.Arg701His). This variant is not present in population databases (gnomAD no frequency). This variant has not been reported in the literature in individuals affected with ATRX-related conditions. ClinVar contains an entry for this variant (Variation ID: 191250). Advanced modeling of protein sequence and biophysical properties (such as structural, functional, and spatial information, amino acid conservation, physicochemical variation, residue mobility, and thermodynamic stability) performed at Invitae indicates that this missense variant is not expected to disrupt ATRX protein function with a negative predictive value of 95%. In summary, the available evidence is currently insufficient to determine the role of this variant in disease. Therefore, it has been classified as a Variant of Uncertain Significance.

Genomic Medicine Center of Excellence, King Faisal Specialist Hospital and Research Centre
Classification: Likely pathogenic. Review status: criteria provided, single submitter. Criteria: ACMG Guidelines, 2015. Collection method: research. Allele origin: germline. Affected: yes.